The following is an entry in ClinVar:

ClinVar aggregate classification (germline): Uncertain significance. Review status: criteria provided, multiple submitters, no conflicts (2 of 4 stars). 2 submissions from 2 submitters: Uncertain significance (2). Last evaluated 2026-01-18.

Submissions (2):

Labcorp Genetics (formerly Invitae), Labcorp
Classification: Uncertain significance. Last evaluated: 2026-01-18. Review status: criteria provided, single submitter. Criteria: Invitae Variant Classification Sherloc (09022015). Collection method: clinical testing. Allele origin: germline.
Comment: This sequence change replaces proline, which is neutral and non-polar, with serine, which is neutral and polar, at codon 445 of the COL11A2 protein (p.Pro445Ser). This variant is not present in population databases (gnomAD no frequency). This missense change has been observed in individual(s) with hearing loss (PMID: 27610647). ClinVar contains an entry for this variant (Variation ID: 1426358). Invitae Evidence Modeling of protein sequence and biophysical properties (such as structural, functional, and spatial information, amino acid conservation, physicochemical variation, residue mobility, and thermodynamic stability) indicates that this missense variant is not expected to disrupt COL11A2 protein function with a negative predictive value of 95%. In summary, the available evidence is currently insufficient to determine the role of this variant in disease. Therefore, it has been classified as a Variant of Uncertain Significance.

Blueprint Genetics
Classification: Uncertain significance. Last evaluated: 2021-02-19. Review status: criteria provided, single submitter. Criteria: ACMG Guidelines, 2015. Collection method: clinical testing. Allele origin: germline.

Literature cited by the submitters: PubMed 27610647 (cited by Labcorp Genetics (formerly Invitae), Labcorp).

NM_080680.3(COL11A2):c.1333C>T (p.Pro445Ser)

Gene: COL11A2 (collagen type XI alpha 2 chain; minus strand). Cytogenetic location: 6p21.32.
Variant type: single nucleotide variant.
Coding change: c.1333C>T on transcript NM_080680.3 (MANE Select); coding-DNA position 1333, C replaced by T.
Protein change: p.Pro445Ser; replaces proline 445 with serine.
Molecular consequence: missense variant.
Genome position (GRCh38, 1-based): chr6:33,180,284, G>A on the plus strand (C>T on the coding strand, the complement: COL11A2 is on the minus strand). VCF-style: chr6-33180284-G-A. GRCh37 (hg19) VCF-style: chr6-33148061-G-A.
Other names: c.1012C>T, p.Pro338Ser (NM_080679.3); c.1075C>T, p.Pro359Ser (NM_080681.3); short protein forms P359S, P445S, P338S.
Identifiers: ClinVar variation 1426358 (VCV001426358.9), dbSNP rs1261759387, ClinGen allele CA363606167.
Genomic context (GRCh38, chr6:33,180,284, plus strand): 5'-ATCAGCATGTTCCAAAACCCAAGAGACAACTCACTGGGAGCATGAGAGATGTGCCAGGAG[G>A]ACCAGGAGCCCCATCTGATCCAGGGAGCCCTGCTCGGCCAGGGGGGCCCTGGAGTGGGAA-3'
Protein context (NP_542411.2, residues 435-455): GLPGSDGAPG[Pro445Ser]PGTSLMLPFR